The following is an entry in ClinVar:

NM_001034853.2(RPGR):c.1573-17C>T

Gene: RPGR (retinitis pigmentosa GTPase regulator; minus strand). Cytogenetic location: Xp11.4.
Variant type: single nucleotide variant.
Coding change: c.1573-17C>T on transcript NM_001034853.2 (MANE Select); 17 bases into the intron before coding-DNA position 1573, C replaced by T.
Molecular consequence: intron variant.
Genome position (GRCh38, 1-based): chrX:38,288,058, G>A on the plus strand (C>T on the coding strand, the complement: RPGR is on the minus strand). VCF-style: chrX-38288058-G-A. GRCh37 (hg19) VCF-style: chrX-38147311-G-A.
Other names: c.1569+2901C>T (NM_001367249.1, NM_001367250.1); c.1570-17C>T (NM_001367245.1); c.1386+2901C>T (NM_001367251.1); c.1387-17C>T (NM_001367246.1); c.1572+2901C>T (NM_001367247.1); c.1573-17C>T (NM_000328.3, NM_001034853.1); c.1602+2901C>T (NM_001367248.1).
Identifiers: ClinVar variation 2203133 (VCV002203133.5), dbSNP rs765479363, ClinGen allele CA10385442.

ClinVar aggregate classification (germline): Likely benign. Review status: criteria provided, multiple submitters, no conflicts (2 of 4 stars). 2 submissions from 2 submitters: Likely benign (2). Last evaluated 2025-11-02.

Conditions:
RPGR-related disorder. Also called: RPGR-related condition.
Primary ciliary dyskinesia. Also called: Ciliary dyskinesia. Identifiers: Orphanet 244, MedGen C0008780, MONDO:0016575, HP:0012265.

Allele frequency attached by ClinVar (database versions not stated): ExAC 0.00002; gnomAD exomes 0.00002; TOPMed 0.00004; gnomAD 0.00005.
gnomAD v4.1: 26 of 1,183,699 alleles (0.0022%); highest among the groups gnomAD compares: Middle Eastern, 0.024%; no homozygotes.

Submissions (2):

Labcorp Genetics (formerly Invitae), Labcorp
Classification: Likely benign for Primary ciliary dyskinesia. Last evaluated: 2025-11-02. Review status: criteria provided, single submitter. Criteria: Invitae Variant Classification Sherloc (09022015). Collection method: clinical testing. Allele origin: germline.

PreventionGenetics, part of Exact Sciences
Classification: Likely benign for RPGR-related condition. Last evaluated: 2024-12-10. Review status: criteria provided, single submitter. Criteria: ACMG Guidelines, 2015. Collection method: clinical testing. Allele origin: germline.
Comment: This variant is classified as likely benign based on ACMG/AMP sequence variant interpretation guidelines (Richards et al. 2015 PMID: 25741868, with internal and published modifications).